The following is an entry in ClinVar:

ClinVar aggregate classification (germline): Uncertain significance. Review status: criteria provided, multiple submitters, no conflicts (2 of 4 stars). 2 submissions from 2 submitters: Uncertain significance (2). Last evaluated 2026-01-21.

Conditions:
Inborn genetic diseases. Identifiers: MedGen C0950123, MeSH D030342.

gnomAD v4.1: 4 of 1,613,944 alleles (0.00025%); highest among the groups gnomAD compares: Non-Finnish European, 0.00025%; no homozygotes.

Submissions (2):

Labcorp Genetics (formerly Invitae), Labcorp
Classification: Uncertain significance. Last evaluated: 2026-01-21. Review status: criteria provided, single submitter. Criteria: Invitae Variant Classification Sherloc (09022015). Collection method: clinical testing. Allele origin: germline.
Comment: This sequence change replaces threonine, which is neutral and polar, with serine, which is neutral and polar, at codon 77 of the MBD4 protein (p.Thr77Ser). This variant is present in population databases (rs748118249, gnomAD 0.002%). This variant has not been reported in the literature in individuals affected with MBD4-related conditions. ClinVar contains an entry for this variant (Variation ID: 3543787). An algorithm developed to predict the effect of missense changes on protein structure and function outputs the following: PolyPhen-2: "Benign". The serine amino acid residue is found in multiple mammalian species, which suggests that this missense change does not adversely affect protein function. In summary, the available evidence is currently insufficient to determine the role of this variant in disease. Therefore, it has been classified as a Variant of Uncertain Significance.

Ambry Genetics
Classification: Uncertain significance for Inborn genetic diseases. Last evaluated: 2024-11-28. Review status: criteria provided, single submitter. Criteria: Ambry Variant Classification Scheme 2023. Collection method: clinical testing. Allele origin: germline.
Comment: The p.T77S variant (also known as c.230C>G), located in coding exon 2 of the MBD4 gene, results from a C to G substitution at nucleotide position 230. The threonine at codon 77 is replaced by serine, an amino acid with similar properties. This amino acid position is conserved. In addition, this alteration is predicted to be tolerated by in silico analysis. Based on the available evidence, the clinical significance of this variant remains unclear.

NM_001276270.2(MBD4):c.230C>G (p.Thr77Ser)

Gene: MBD4 (methyl-CpG binding domain 4, DNA glycosylase; minus strand). Cytogenetic location: 3q21.3.
Variant type: single nucleotide variant.
Coding change: c.230C>G on transcript NM_001276270.2 (MANE Select); coding-DNA position 230, C replaced by G.
Protein change: p.Thr77Ser; replaces threonine 77 with serine.
Molecular consequence: missense variant.
Genome position (GRCh38, 1-based): chr3:129,437,825, G>C on the plus strand (C>G on the coding strand, the complement: MBD4 is on the minus strand). VCF-style: chr3-129437825-G-C. GRCh37 (hg19) VCF-style: chr3-129156668-G-C.
Other names: c.230C>G, p.Thr77Ser (NM_001276271.2, NM_001276272.2, NM_001276273.2 and 1 more transcripts); short protein forms T77S.
Identifiers: ClinVar variation 3543787 (VCV003543787.3).
Genomic context (GRCh38, chr3:129,437,825, plus strand): 5'-CTTTGCTTCACAACTCTTTCCCATCCACATGGGACAGACTTACGGCATTCTGTTCCTGCA[G>C]TAGCACCAAACTGAGCAGAAGCGATGGGTTCTTGTAGCAAGGGATTACATTCACTGCTTC-3'
Protein context (NP_001263199.1, residues 67-87): EPIASAQFGA[Thr77Ser]AGTECRKSVP